The following is an entry in ClinVar:

NM_000297.4(PKD2):c.1704dup (p.Val569fs)

Gene: PKD2 (polycystin 2, transient receptor potential cation channel; plus strand). Cytogenetic location: 4q22.1.
Variant type: Duplication.
Coding change: c.1704dup on transcript NM_000297.4 (MANE Select); coding-DNA position 1704, one base duplicated (T; older notation c.1704dupT).
Protein change: p.Val569fs; shifts the reading frame from valine 569.
Molecular consequence: frameshift variant. On other transcripts: non-coding transcript variant (1).
Genome position (GRCh38, 1-based): chr4:88,052,146, T duplicated; the last of 6 consecutive T bases (chr4:88,052,141-88,052,146); duplicating any one gives the same sequence. VCF-style (leftmost placement, unchanged base first): chr4-88052140-A-AT. GRCh37 (hg19) VCF-style: chr4-88973292-A-AT.
Other names: c.1704dup (NM_000297.3); short protein forms V569fs.
Identifiers: ClinVar variation 997242 (VCV000997242.4), dbSNP rs1720128947, ClinGen allele CA1474582024.
Genomic context (GRCh38, chr4:88,052,140, plus strand): 5'-CAACTTTGAGCATCTGGCATATTGGCAGATACAGTTCAACAATATAGCTGCTGTCACAGT[A>AT]TTTTTTGTCTGGATTAAGGTAATTTATAAATTTCATGTTCTACATTTTAAATAATATTTT-3'

ClinVar aggregate classification (germline): Pathogenic. Review status: criteria provided, multiple submitters, no conflicts (2 of 4 stars). 4 submissions from 4 submitters: Pathogenic (3). 1 of the submissions does not count toward it. Last evaluated 2026-08-01.

Conditions:
Polycystic kidney disease. Also called: Polycystic kidney dysplasia; Kidney, Polycystic. Identifiers: MedGen C0022680, MeSH D007690, MONDO:0020642, HP:0000113.
Polycystic kidney disease 2 (PKD2). Also called: POLYCYSTIC KIDNEY DISEASE, ADULT, TYPE II; POLYCYSTIC KIDNEY DISEASE 2 WITH OR WITHOUT POLYCYSTIC LIVER DISEASE; Polycystic Kidney Disease 2, Autosomal Dominant. Identifiers: MedGen C2751306, MONDO:0013131, OMIM 613095.

Submissions (4):

CeGaT Center for Human Genetics Tuebingen
Classification: Pathogenic. Last evaluated: 2026-08-01. Review status: criteria provided, single submitter. Criteria: CeGaT Center For Human Genetics Tuebingen Variant Classification Criteria Version 2. Collection method: clinical testing. Allele origin: germline. Affected: yes. Observed: 1 variant allele.
Comment: PKD2: PVS1, PM2, PS4:Moderate

GeneDx
Classification: Pathogenic. Last evaluated: 2023-10-19. Review status: criteria provided, single submitter. Criteria: GeneDx Variant Classification Process June 2021. Collection method: clinical testing. Allele origin: germline. Affected: yes.
Comment: Frameshift variant predicted to result in protein truncation or nonsense mediated decay in a gene for which loss of function is a known mechanism of disease; Not observed at significant frequency in large population cohorts (gnomAD); This variant is associated with the following publications: (PMID: 33964006, 22508176, 31740684)

Juno Genomics, Hangzhou Juno Genomics, Inc
Classification: Pathogenic for Polycystic kidney disease 2. Review status: criteria provided, single submitter. Criteria: ACMG Guidelines, 2015. Collection method: clinical testing. Allele origin: germline.
Comment: Null variant in a gene where loss of function (LOF) is a known mechanism of disease.;Absent from controls (or at extremely low frequency if recessive) in Genome Aggregation Database.;Patient's phenotype or family history is highly specific for a disease with a single genetic etiology.

Department of Pathology and Laboratory Medicine, Sinai Health System
Classification: Pathogenic for Polycystic Kidney disease. Review status: no assertion criteria provided. Collection method: clinical testing. Allele origin: unknown. Affected: yes. Observed: 1 variant allele. Study: The Canadian Open Genetics Repository (COGR). Not counted in ClinVar's aggregate classification.
Comment: The PKD2 p.Val569CysfsX4 variant was identified in 2 of 1840 proband chromosomes (frequency: 0.001) from individuals or families with ADPKD (Audrezet 2012, Hwang 2016). The variant was also identified in the ADPKD Mutation Database (as definitely pathogenic). The variant was not identified in the following databases: dbSNP, ClinVar, ClinVar, COGR, LOVD 3.0, or PKD1-LOVD. The variant was not identified in the 1000 Genomes Project, the NHLBI GO Exome Sequencing Project or the Exome Aggregation Consortium (August 8th 2016). The p.Val569CysfsX4 variant is predicted to cause a frameshift, which alters the protein amino acid sequence beginning at codon 569 and leads to a premature stop codon at position 572. This alteration is then predicted to result in a truncated or absent protein and loss of function. Loss of function variants of the PKD2 gene are an established mechanism of disease in ADPKD and is the type of variant expected to cause the disorder. In summary, based on the above information, this variant meets our laboratoryâ€šÃ„Ã´s criteria to be classified as pathogenic. References (PMIDs): 22508176, 26453610